The following is an entry in ClinVar:

ClinVar aggregate classification (germline): Conflicting classifications of pathogenicity. Review status: criteria provided, conflicting classifications (1 of 4 stars). 7 submissions from 2 submitters: Uncertain significance (1); Benign (6). Last evaluated 2026-01-18.

Conditions:
Autosomal dominant keratitis. Also called: Keratitis, hereditary. Identifiers: Orphanet 2334, MedGen C1835698, MONDO:0007848, OMIM 148190.
Foveal hypoplasia 1. Also called: FOVEAL HYPOPLASIA 1 WITH OR WITHOUT ANTERIOR SEGMENT ANOMALIES AND/OR CATARACT; FOVEAL HYPOPLASIA 1 WITH ANTERIOR SEGMENT ANOMALIES. Identifiers: Orphanet 2253, MedGen C3805604, MONDO:0007628, OMIM 136520.
Anophthalmia-microphthalmia syndrome. Also called: Anophthalmia/Microphthalmia; Anophthalmia - microphthalmia. Identifiers: Orphanet 98555, MedGen C5680330, MONDO:0020147.
11p partial monosomy syndrome (WAGR). Also called: WAGR syndrome; WAGR Complex; CHROMOSOME 11p13 DELETION SYNDROME; WAGR Spectrum Disorder. Identifiers: Orphanet 893, MedGen C0206115, MONDO:0008681, OMIM 194072.
Aniridia 1 (AN1). Identifiers: Orphanet 250923, MedGen C0344542, MONDO:0024507, OMIM 106210.
carboxymethyl-dextran-A2-gadolinium-DOTA.
Irido-corneo-trabecular dysgenesis (ASGD5). Also called: ANTERIOR SEGMENT DYSGENESIS 5. Identifiers: Orphanet 708, MedGen C0344559, MONDO:0011414, OMIM 604229, HP:0000659.

Allele frequency attached by ClinVar (database versions not stated): gnomAD 0.00004 and 0.00007; TOPMed 0.00004; gnomAD exomes 0.00013 and 0.00017; 1000 Genomes Project 30x 0.00016; ExAC 0.00016; 1000 Genomes Project 0.00020.
gnomAD v4.1: 188 of 1,614,184 alleles (0.012%); highest among the groups gnomAD compares: East Asian, 0.41%; no homozygotes.

Submissions (7):

Labcorp Genetics (formerly Invitae), Labcorp
Classification: Benign for Aniridia 1; Irido-corneo-trabecular dysgenesis. Last evaluated: 2026-01-18. Review status: criteria provided, single submitter. Criteria: Invitae Variant Classification Sherloc (09022015). Collection method: clinical testing. Allele origin: germline.

Illumina Laboratory Services, Illumina
Classification: Benign for Autosomal dominant keratitis. Last evaluated: 2018-01-13. Review status: criteria provided, single submitter. Criteria: ICSL Variant Classification Criteria 13 December 2019. Collection method: clinical testing. Allele origin: germline.
Comment: This variant was observed in the ICSL laboratory as part of a predisposition screen in an ostensibly healthy population. It had not been previously curated by ICSL or reported in the Human Gene Mutation Database (HGMD: prior to June 1st, 2018), and was therefore a candidate for classification through an automated scoring system. Utilizing variant allele frequency, disease prevalence and penetrance estimates, and inheritance mode, an automated score was calculated to assess if this variant is too frequent to cause the disease. Based on the score and internal cut-off values, a variant classified as benign is not then subjected to further curation. The score for this variant resulted in a classification of benign for this disease.

Illumina Laboratory Services, Illumina
Classification: Benign for Wilms tumor, aniridia, genitourinary anomalies, and mental retardation syndrome. Last evaluated: 2018-01-13. Review status: criteria provided, single submitter. Criteria: ICSL Variant Classification Criteria 13 December 2019. Collection method: clinical testing. Allele origin: germline.
Comment: the same text as in the submission from Illumina Laboratory Services, Illumina above.

Illumina Laboratory Services, Illumina
Classification: Uncertain significance for Anophthalmia-microphthalmia syndrome. Last evaluated: 2018-01-13. Review status: criteria provided, single submitter. Criteria: ICSL Variant Classification Criteria 13 December 2019. Collection method: clinical testing. Allele origin: germline.

Illumina Laboratory Services, Illumina
Classification: Benign for Foveal hypoplasia 1. Last evaluated: 2018-01-13. Review status: criteria provided, single submitter. Criteria: ICSL Variant Classification Criteria 13 December 2019. Collection method: clinical testing. Allele origin: germline.
Comment: the same text as in the submission from Illumina Laboratory Services, Illumina above.

Illumina Laboratory Services, Illumina
Classification: Benign for Aniridia 1. Last evaluated: 2018-01-13. Review status: criteria provided, single submitter. Criteria: ICSL Variant Classification Criteria 13 December 2019. Collection method: clinical testing. Allele origin: germline.
Comment: the same text as in the submission from Illumina Laboratory Services, Illumina above.

Illumina Laboratory Services, Illumina
Classification: Benign for carboxymethyl-dextran-A2-gadolinium-DOTA. Last evaluated: 2018-01-13. Review status: criteria provided, single submitter. Criteria: ICSL Variant Classification Criteria 13 December 2019. Collection method: clinical testing. Allele origin: germline.
Comment: the same text as in the submission from Illumina Laboratory Services, Illumina above.

NM_001368894.2(PAX6):c.909T>C (p.Ser303=)

Gene: PAX6 (paired box 6; minus strand). Cytogenetic location: 11p13.
Variant type: single nucleotide variant.
Coding change: c.909T>C on transcript NM_001368894.2 (MANE Select); coding-DNA position 909, T replaced by C.
Protein change: p.Ser303=; no amino-acid change (serine 303 retained).
Molecular consequence: synonymous variant. On other transcripts: non-coding transcript variant (2).
Genome position (GRCh38, 1-based): chr11:31,793,701, A>G on the plus strand (T>C on the coding strand, the complement: PAX6 is on the minus strand). VCF-style: chr11-31793701-A-G. GRCh37 (hg19) VCF-style: chr11-31815249-A-G.
Other names: c.867T>C, p.Ser289= (NM_000280.6, NM_001127612.3, NM_001258464.2 and 10 more transcripts); c.909T>C, p.Ser303= (NM_001258462.3, NM_001258463.2, NM_001310158.2 and 6 more transcripts); c.459T>C, p.Ser153= (NM_001310160.2, NM_001310161.3, NM_001368899.2 and 11 more transcripts); c.1110T>C, p.Ser370= (NM_001368910.2); c.912T>C, p.Ser304= (NM_001368911.2); c.984T>C, p.Ser328= (NM_001368918.2, NM_001368919.2); c.942T>C, p.Ser314= (NM_001368920.2); c.708T>C, p.Ser236= (NM_001368921.2, NM_001368922.2, NM_001368923.2 and 4 more transcripts); and 2 more.
Identifiers: ClinVar variation 878640 (VCV000878640.11), dbSNP rs202154006, ClinGen allele CA5933785.